The following is an entry in ClinVar:

ClinVar aggregate classification (germline): Uncertain significance (1 of 4 stars; one submission).

Conditions:
Hereditary cancer-predisposing syndrome. Also called: Neoplastic Syndromes, Hereditary; Tumor predisposition; Hereditary Cancer Syndrome; Hereditary neoplastic syndrome. Identifiers: Orphanet 140162, MedGen C0027672, MeSH D009386, MONDO:0015356.

Submission:

Ambry Genetics
Classification: Uncertain significance for Hereditary cancer-predisposing syndrome. Last evaluated: 2021-06-30. Review status: criteria provided, single submitter. Criteria: Ambry Variant Classification Scheme 2023. Collection method: clinical testing. Allele origin: germline.
Comment: The p.Q2208R variant (also known as c.6623A>G), located in coding exon 47 of the POLE gene, results from an A to G substitution at nucleotide position 6623. The glutamine at codon 2208 is replaced by arginine, an amino acid with highly similar properties. This amino acid position is conserved. In addition, the in silico prediction for this alteration is inconclusive. Since supporting evidence is limited at this time, the clinical significance of this alteration remains unclear.

NM_006231.4(POLE):c.6623A>G (p.Gln2208Arg)

Gene: POLE (DNA polymerase epsilon, catalytic subunit; minus strand). Cytogenetic location: 12q24.33.
Variant type: single nucleotide variant.
Coding change: c.6623A>G on transcript NM_006231.4 (MANE Select); coding-DNA position 6623, A replaced by G.
Protein change: p.Gln2208Arg; replaces glutamine 2208 with arginine.
Molecular consequence: missense variant.
Genome position (GRCh38, 1-based): chr12:132,625,679, T>C on the plus strand (A>G on the coding strand, the complement: POLE is on the minus strand). VCF-style: chr12-132625679-T-C. GRCh37 (hg19) VCF-style: chr12-133202265-T-C.
Other names: short protein forms Q2208R.
Identifiers: ClinVar variation 1754533 (VCV001754533.2), dbSNP rs2541837106, ClinGen allele CA387366530.
Genomic context (GRCh38, chr12:132,625,679, plus strand): 5'-ACGGGCAGGCGGCATGCACGACTCACCAGGTCCTGCAGGGTGAAGGCCATCAGCTTCTTC[T>C]GTAGAACTTCCACCAGCGTCATCTCGATGGCAGAGGAGTCGTAGGGCGCCTGACAGTTGG-3'
Protein context (NP_006222.2, residues 2198-2218): AIEMTLVEVL[Gln2208Arg]KKLMAFTLQD